The following is an entry in ClinVar:

NM_001371727.1(GABRB2):c.961C>G (p.Leu321Val)

Gene: GABRB2 (gamma-aminobutyric acid type A receptor subunit beta2; minus strand). Cytogenetic location: 5q34.
Variant type: single nucleotide variant.
Coding change: c.961C>G on transcript NM_001371727.1 (MANE Select); coding-DNA position 961, C replaced by G.
Protein change: p.Leu321Val; replaces leucine 321 with valine.
Molecular consequence: missense variant.
Genome position (GRCh38, 1-based): chr5:161,330,999, G>C on the plus strand (C>G on the coding strand, the complement: GABRB2 is on the minus strand). VCF-style: chr5-161330999-G-C. GRCh37 (hg19) VCF-style: chr5-160758006-G-C.
Other names: c.961C>G, p.Leu321Val (NM_000813.3, NM_021911.3); short protein forms L321V.
Identifiers: ClinVar variation 4875023 (VCV004875023.2).

ClinVar aggregate classification (germline): Uncertain significance (1 of 4 stars; one submission).

Submission:

CeGaT Center for Human Genetics Tuebingen
Classification: Uncertain significance. Last evaluated: 2026-05-01. Review status: criteria provided, single submitter. Criteria: CeGaT Center For Human Genetics Tuebingen Variant Classification Criteria Version 2. Collection method: clinical testing. Allele origin: germline. Affected: yes. Observed: 1 variant allele.
Comment: GABRB2: PM2, PP2, PP3